The following is an entry in ClinVar:

ClinVar aggregate classification (germline): Pathogenic. Review status: criteria provided, multiple submitters, no conflicts (2 of 4 stars). 2 submissions from 2 submitters: Pathogenic (2). Last evaluated 2024-10-01.

Conditions:
COL5A1-related disorders.
Ehlers-Danlos syndrome, classic type, 1 (EDSCL1). Also called: Ehlers-Danlos Syndrome, Classic Type, COL5A1-Related; EHLERS-DANLOS SYNDROME, GRAVIS TYPE; EHLERS-DANLOS SYNDROME, SEVERE CLASSIC TYPE; EDS I; Ehlers-Danlos syndrome, type 1. Identifiers: MedGen C0268335, MONDO:0019567, OMIM 130000.

Submissions (2):

Blueprint Genetics
Classification: Pathogenic for COL5A1-related disorders. Last evaluated: 2024-10-01. Review status: criteria provided, single submitter. Criteria: ACMG Guidelines, 2015. Collection method: clinical testing. Allele origin: germline. Affected: yes. Observed: 3 variant alleles.

Labcorp Genetics (formerly Invitae), Labcorp
Classification: Pathogenic for Ehlers-Danlos syndrome, classic type, 1. Last evaluated: 2024-05-14. Review status: criteria provided, single submitter. Criteria: Invitae Variant Classification Sherloc (09022015). Collection method: clinical testing. Allele origin: germline.
Comment: This sequence change creates a premature translational stop signal (p.Gly967Alafs*107) in the COL5A1 gene. It is expected to result in an absent or disrupted protein product. Loss-of-function variants in COL5A1 are known to be pathogenic (PMID: 23587214). This variant is not present in population databases (gnomAD no frequency). This variant has not been reported in the literature in individuals affected with COL5A1-related conditions. Algorithms developed to predict the effect of sequence changes on RNA splicing suggest that this variant may disrupt the consensus splice site. For these reasons, this variant has been classified as Pathogenic.

Literature cited by the submitters: PubMed 23587214 (cited by Labcorp Genetics (formerly Invitae), Labcorp).

NM_000093.5(COL5A1):c.2898del (p.Gly967fs)

Gene: COL5A1 (collagen type V alpha 1 chain; plus strand). Cytogenetic location: 9q34.3.
Variant type: Deletion.
Coding change: c.2898del on transcript NM_000093.5 (MANE Select); coding-DNA position 2898, one base deleted (T; older notation c.2898delT).
Protein change: p.Gly967fs; shifts the reading frame from glycine 967.
Molecular consequence: frameshift variant.
Genome position (GRCh38, 1-based): chr9:134,796,901, T deleted. VCF-style (leftmost placement, unchanged base first): chr9-134796900-CT-C. GRCh37 (hg19) VCF-style: chr9-137688746-CT-C.
Other names: c.2898del, p.Gly967fs (NM_001278074.1); short protein forms G967fs.
Identifiers: ClinVar variation 3652917 (VCV003652917.3).
Genomic context (GRCh38, chr9:134,796,900, plus strand): 5'-GTTCCCAGGGACCCAATGGACCCCAAGGACCCACAGGATTTCCTGGACCAAAGGGCCCCC[CT>C]GTAAGTAATGGCTTCCTTGCTGGGCCAGCACTGCCTGTCCCCTCCAAAACCCACCTGTCC-3'